The following is an entry in ClinVar:

NC_000002.11:g.(?_48018060)_(48034005_?)dup

Gene: MSH6 (mutS homolog 6; plus strand). Cytogenetic location: 2p16.3.
Variant type: Duplication.
Identifiers: ClinVar variation 525956 (VCV000525956.1).

ClinVar aggregate classification (germline): Uncertain significance (1 of 4 stars; one submission).

Conditions:
Hereditary nonpolyposis colorectal neoplasms. Identifiers: MedGen C0009405, MeSH D003123.

Submission:

Labcorp Genetics (formerly Invitae), Labcorp
Classification: Uncertain significance for Hereditary nonpolyposis colorectal neoplasms. Last evaluated: 2017-08-31. Review status: criteria provided, single submitter. Criteria: Invitae Variant Classification Sherloc (09022015). Collection method: clinical testing. Allele origin: germline.
Comment: This variant is a gross duplication of the genomic region encompassing exons 2-10 of the MSH6 gene. The 5' boundary is likely confined to intron 1. The 3' end of this event is unknown as it extends beyond the assayed region for this gene and therefore may encompass additional genes. The exact location of this variant in the genome is unknown. Duplication of exons 2-10 has not been reported in the literature in individuals with MSH6-related disease. In summary, the available evidence is currently insufficient to determine the role of this variant in disease. Therefore, it has been classified as a Variant of Uncertain Significance.